The following is an entry in ClinVar:

NM_001927.4(DES):c.1289-3C>G

Gene: DES (desmin; plus strand). Cytogenetic location: 2q35.
Variant type: single nucleotide variant.
Coding change: c.1289-3C>G on transcript NM_001927.4 (MANE Select); 3 bases into the intron before coding-DNA position 1289, C replaced by G.
Molecular consequence: intron variant.
Genome position (GRCh38, 1-based): chr2:219,425,660, C>G. VCF-style: chr2-219425660-C-G. GRCh37 (hg19) VCF-style: chr2-220290382-C-G.
Other names: c.1289-3C>G (NM_001382712.1); c.1268-3C>G (NM_001382711.1); c.1220-3C>G (NM_001382710.1); c.857-3C>G (NM_001382709.1); c.1286-3C>G (NM_001382708.1); c.1019-3C>G (NM_001382713.1).
Identifiers: ClinVar variation 4613956 (VCV004613956.1).

ClinVar aggregate classification (germline): Uncertain significance (1 of 4 stars; one submission).

Conditions:
Cardiovascular phenotype. Identifiers: MedGen CN230736.

Submission:

Ambry Genetics
Classification: Uncertain significance for Cardiovascular phenotype. Last evaluated: 2025-09-16. Review status: criteria provided, single submitter. Criteria: Ambry Variant Classification Scheme 2023. Collection method: clinical testing. Allele origin: germline.
Comment: The c.1289-3C>G intronic variant results from a C to G substitution 3 nucleotides upstream from coding exon 8 in the DES gene. This nucleotide position is highly conserved in available vertebrate species. In silico splice site analysis predicts that this alteration will weaken the native splice acceptor site. Based on the available evidence, the clinical significance of this variant remains unclear.